The following is an entry in ClinVar:

NM_001291415.2(KDM6A):c.156G>A (p.Leu52=)

Genes: KDM6A (lysine demethylase 6A; plus strand), LOC130068183 (ATAC-STARR-seq lymphoblastoid silent region 20785; plus strand). Cytogenetic location: Xp11.3.
Variant type: single nucleotide variant.
Coding change: c.156G>A on transcript NM_001291415.2 (MANE Select); coding-DNA position 156, G replaced by A.
Protein change: p.Leu52=; no amino-acid change (leucine 52 retained).
Molecular consequence: synonymous variant. On other transcripts: 5 prime UTR variant (1), non-coding transcript variant (1).
Genome position (GRCh38, 1-based): chrX:44,873,707, G>A. VCF-style: chrX-44873707-G-A. GRCh37 (hg19) VCF-style: chrX-44732953-G-A.
Other names: c.156G>A (NM_021140.3); c.156G>A, p.Leu52= (NM_001291416.2, NM_001291417.2, NM_001291418.2 and 9 more transcripts); c.-477G>A (NM_001291421.2).
Identifiers: ClinVar variation 2913027 (VCV002913027.10), dbSNP rs1406131408, ClinGen allele CA516176837.

ClinVar aggregate classification (germline): Benign/Likely benign. Review status: criteria provided, multiple submitters, no conflicts (2 of 4 stars). 3 submissions from 3 submitters: Benign (1); Likely benign (1). 1 of the submissions does not count toward it. Last evaluated 2026-02-01.

Conditions:
Kabuki syndrome 2 (KABUK2). Also called: KDM6A-Related Kabuki Syndrome. Identifiers: Orphanet 2322, MedGen C3275495, MONDO:0010465, OMIM 300867.
KDM6A-related disorder. Also called: KDM6A-related condition.

Allele frequency attached by ClinVar (database versions not stated): TOPMed below 0.00001; gnomAD 0.00003; gnomAD exomes 0.00003.

Submissions (3):

Labcorp Genetics (formerly Invitae), Labcorp
Classification: Benign for Kabuki syndrome 2. Last evaluated: 2026-02-01. Review status: criteria provided, single submitter. Criteria: Invitae Variant Classification Sherloc (09022015). Collection method: clinical testing. Allele origin: germline.

CeGaT Center for Human Genetics Tuebingen
Classification: Likely benign. Last evaluated: 2025-11-01. Review status: criteria provided, single submitter. Criteria: CeGaT Center For Human Genetics Tuebingen Variant Classification Criteria Version 2. Collection method: clinical testing. Allele origin: germline. Affected: yes. Observed: 1 variant allele.
Comment: KDM6A: BP4, BP7

PreventionGenetics, part of Exact Sciences
Classification: Likely benign for KDM6A-related condition. Last evaluated: 2019-04-17. Review status: no assertion criteria provided. Collection method: clinical testing. Allele origin: germline. Not counted in ClinVar's aggregate classification.
Comment: This variant is classified as likely benign based on ACMG/AMP sequence variant interpretation guidelines (Richards et al. 2015 PMID: 25741868, with internal and published modifications).